The following is an entry in ClinVar:

ClinVar aggregate classification (germline): Uncertain significance. Review status: criteria provided, multiple submitters, no conflicts (2 of 4 stars). 3 submissions from 3 submitters: Uncertain significance (2). 1 of the submissions does not count toward it. Last evaluated 2024-06-13.

Conditions:
Inborn genetic diseases. Identifiers: MedGen C0950123, MeSH D030342.
Adult-onset proximal spinal muscular atrophy, autosomal dominant. Also called: FINKEL LATE-ADULT TYPE SMA; Spinal muscular atrophy, late-onset, finkel type. Identifiers: Orphanet 209335, MedGen C1854058, MONDO:0008453, OMIM 182980.
Amyotrophic lateral sclerosis type 8 (ALS8). Identifiers: Orphanet 803, MedGen C1837728, MONDO:0012077, OMIM 608627.

Allele frequency attached by ClinVar (database versions not stated): gnomAD exomes below 0.00001; gnomAD 0.00001.
gnomAD v4.1: 3 of 1,614,004 alleles (0.00019%); highest among the groups gnomAD compares: Non-Finnish European, 0.00017%; no homozygotes.

Submissions (3):

Ambry Genetics
Classification: Uncertain significance for Inborn genetic diseases. Last evaluated: 2024-06-13. Review status: criteria provided, single submitter. Criteria: Ambry Variant Classification Scheme 2023. Collection method: clinical testing. Allele origin: germline.

Labcorp Genetics (formerly Invitae), Labcorp
Classification: Uncertain significance for Adult-onset proximal spinal muscular atrophy, autosomal dominant; Amyotrophic lateral sclerosis type 8. Last evaluated: 2022-09-29. Review status: criteria provided, single submitter. Criteria: Invitae Variant Classification Sherloc (09022015). Collection method: clinical testing. Allele origin: germline.
Comment: Advanced modeling of protein sequence and biophysical properties (such as structural, functional, and spatial information, amino acid conservation, physicochemical variation, residue mobility, and thermodynamic stability) performed at Invitae indicates that this missense variant is not expected to disrupt VAPB protein function. In summary, the available evidence is currently insufficient to determine the role of this variant in disease. Therefore, it has been classified as a Variant of Uncertain Significance. Algorithms developed to predict the effect of sequence changes on RNA splicing suggest that this variant may create or strengthen a splice site. ClinVar contains an entry for this variant (Variation ID: 1050243). This variant has not been reported in the literature in individuals affected with VAPB-related conditions. This variant is not present in population databases (gnomAD no frequency). This sequence change replaces glutamic acid, which is acidic and polar, with lysine, which is basic and polar, at codon 179 of the VAPB protein (p.Glu179Lys).

Department of Pathology and Laboratory Medicine, Sinai Health System
Classification: Uncertain significance. Review status: no assertion criteria provided. Collection method: clinical testing. Allele origin: unknown. Affected: yes. Study: The Canadian Open Genetics Repository (COGR). Not counted in ClinVar's aggregate classification.
Comment: The VAPB p.Glu179Lys variant was not identified in the literature nor was it identified in dbSNP, ClinVar, Cosmic, LOVD 3.0 or in the following control databases: the 1000 Genomes Project, the NHLBI GO Exome Sequencing Project, the Exome Aggregation Consortium (August 8th 2016), or the Genome Aggregation Database (Feb 27, 2017). The p.Glu179 residue is conserved in mammals and computational analyses (PolyPhen-2, SIFT, AlignGVGD, BLOSUM, MutationTaster) provide inconsistent predictions regarding the impact to the protein; this information is not very predictive of pathogenicity. The variant occurs outside of the splicing consensus sequence and 2 of 4 in silico or computational prediction software programs (MaxEntScan, NNSPLICE) predict a greater than 10% difference in splicing; this is not very predictive of pathogenicity. In summary, based on the above information the clinical significance of this variant cannot be determined with certainty at this time. This variant is classified as a variant of uncertain significance.

NM_004738.5(VAPB):c.535G>A (p.Glu179Lys)

Gene: VAPB (VAMP associated protein B and C; plus strand). Cytogenetic location: 20q13.32.
Variant type: single nucleotide variant.
Coding change: c.535G>A on transcript NM_004738.5 (MANE Select); coding-DNA position 535, G replaced by A.
Protein change: p.Glu179Lys; replaces glutamic acid 179 with lysine.
Molecular consequence: missense variant. On other transcripts: non-coding transcript variant (1), intron variant (1).
Genome position (GRCh38, 1-based): chr20:58,441,045, G>A. VCF-style: chr20-58441045-G-A. GRCh37 (hg19) VCF-style: chr20-57016101-G-A.
Other names: c.212-3032G>A (NM_001195677.2); c.535G>A (NM_004738.4); short protein forms E179K.
Identifiers: ClinVar variation 1050243 (VCV001050243.7), dbSNP rs1989149258, ClinGen allele CA409439799.